The following is an entry in ClinVar:

NM_006005.3(WFS1):c.830A>G (p.Lys277Arg)

Gene: WFS1 (wolframin ER transmembrane glycoprotein; plus strand). Cytogenetic location: 4p16.1.
Variant type: single nucleotide variant.
Coding change: c.830A>G on transcript NM_006005.3 (MANE Select); coding-DNA position 830, A replaced by G.
Protein change: p.Lys277Arg; replaces lysine 277 with arginine.
Molecular consequence: missense variant.
Genome position (GRCh38, 1-based): chr4:6,295,158, A>G. VCF-style: chr4-6295158-A-G. GRCh37 (hg19) VCF-style: chr4-6296885-A-G.
Other names: c.830A>G, p.Lys277Arg (NM_001145853.1); short protein forms K277R.
Identifiers: ClinVar variation 1055327 (VCV001055327.14), dbSNP rs753193877, ClinGen allele CA2839073.

ClinVar aggregate classification (germline): Uncertain significance. Review status: criteria provided, multiple submitters, no conflicts (2 of 4 stars). 5 submissions from 5 submitters: Uncertain significance (4). 1 of the submissions does not count toward it. Last evaluated 2025-05-14.

Conditions:
WFS1-related disorder. Identifiers: MedGen CN379391, MONDO:0700293.
Wolfram syndrome 1 (WFS1). Identifiers: Orphanet 3463, MedGen C4551693, MONDO:0009101, OMIM 222300.
Cataract 41 (CTRCT41). Also called: CATARACT 41, CONGENITAL NUCLEAR TYPE. Identifiers: Orphanet 91492, Orphanet 98991, Orphanet 98992, Orphanet 98995, MedGen C3805412, MONDO:0007287, OMIM 116400.
Wolfram-like syndrome. Also called: HEARING LOSS, PROGRESSIVE, WITH OPTIC ATROPHY AND/OR IMPAIRED GLUCOSE REGULATION. Identifiers: Orphanet 411590, MedGen C3280358, MONDO:0013673, OMIM 614296.
Autosomal dominant nonsyndromic hearing loss 6 (LFSNHL). Also called: DEAFNESS, AUTOSOMAL DOMINANT 6; DEAFNESS, AUTOSOMAL DOMINANT 14; DEAFNESS, AUTOSOMAL DOMINANT 38; Autosomal dominant nonsyndromic deafness 6. Identifiers: Orphanet 90635, MedGen C1833021, MONDO:0010963, OMIM 600965.
Type 2 diabetes mellitus. Also called: Type II diabetes mellitus. Identifiers: MedGen C0011860, MeSH D003924, MONDO:0005148, OMIM 125853, HP:0005978.

Allele frequency attached by ClinVar (database versions not stated): TOPMed 0.00002; gnomAD 0.00001; gnomAD exomes 0.00001; ExAC 0.00002.
gnomAD v4.1: 15 of 1,612,250 alleles (0.00093%); highest among the groups gnomAD compares: African/African-American, 0.0013%; no homozygotes.

Submissions (5):

GeneDx
Classification: Uncertain significance. Last evaluated: 2025-05-14. Review status: criteria provided, single submitter. Criteria: GeneDx Variant Classification Process June 2021. Collection method: clinical testing. Allele origin: germline. Affected: yes.
Comment: Has not been previously published as pathogenic or benign to our knowledge; Not observed at significant frequency in large population cohorts (gnomAD); In silico analysis suggests that this missense variant does not alter protein structure/function

Fulgent Genetics
Classification: Uncertain significance for Cataract 41; Type 2 diabetes mellitus; Wolfram syndrome 1; Autosomal dominant nonsyndromic hearing loss 6; Wolfram-like syndrome. Last evaluated: 2024-04-03. Review status: criteria provided, single submitter. Criteria: ACMG Guidelines, 2015. Collection method: clinical testing. Allele origin: germline.

Labcorp Genetics (formerly Invitae), Labcorp
Classification: Uncertain significance. Last evaluated: 2022-10-05. Review status: criteria provided, single submitter. Criteria: Invitae Variant Classification Sherloc (09022015). Collection method: clinical testing. Allele origin: germline.
Comment: This variant has not been reported in the literature in individuals affected with WFS1-related conditions. Advanced modeling of protein sequence and biophysical properties (such as structural, functional, and spatial information, amino acid conservation, physicochemical variation, residue mobility, and thermodynamic stability) performed at Invitae indicates that this missense variant is not expected to disrupt WFS1 protein function. In summary, the available evidence is currently insufficient to determine the role of this variant in disease. Therefore, it has been classified as a Variant of Uncertain Significance. ClinVar contains an entry for this variant (Variation ID: 1055327). This sequence change replaces lysine, which is basic and polar, with arginine, which is basic and polar, at codon 277 of the WFS1 protein (p.Lys277Arg). This variant is present in population databases (rs753193877, gnomAD 0.002%).

Blueprint Genetics
Classification: Uncertain significance. Last evaluated: 2019-01-30. Review status: criteria provided, single submitter. Criteria: ACMG Guidelines, 2015. Collection method: clinical testing. Allele origin: germline.

PreventionGenetics, part of Exact Sciences
Classification: Uncertain significance for WFS1-related condition. Last evaluated: 2024-02-16. Review status: no assertion criteria provided. Collection method: clinical testing. Allele origin: germline. Not counted in ClinVar's aggregate classification.
Comment: The WFS1 c.830A>G variant is predicted to result in the amino acid substitution p.Lys277Arg. To our knowledge, this variant has not been reported in the literature. This variant is reported in 0.0018% of alleles in individuals of European (Non-Finnish) descent in gnomAD. At this time, the clinical significance of this variant is uncertain due to the absence of conclusive functional and genetic evidence.